The following is an entry in ClinVar:

NM_030962.4(SBF2):c.2819C>T (p.Thr940Ile)

Genes: SBF2 (SET binding factor 2; minus strand), LOC101928008 (uncharacterized LOC101928008; plus strand). Cytogenetic location: 11p15.4.
Variant type: single nucleotide variant.
Coding change: c.2819C>T on transcript NM_030962.4 (MANE Select); coding-DNA position 2819, C replaced by T.
Protein change: p.Thr940Ile; replaces threonine 940 with isoleucine.
Molecular consequence: missense variant.
Genome position (GRCh38, 1-based): chr11:9,847,071, G>A on the plus strand (C>T on the coding strand, the complement: SBF2 is on the minus strand). VCF-style: chr11-9847071-G-A. GRCh37 (hg19) VCF-style: chr11-9868618-G-A.
Other names: c.2819C>T, p.Thr940Ile (NM_001386339.1); c.2690C>T, p.Thr897Ile (NM_001386342.1); short protein forms T940I, T897I.
Identifiers: ClinVar variation 543432 (VCV000543432.7), dbSNP rs756720332, ClinGen allele CA5881434.

ClinVar aggregate classification (germline): Uncertain significance. Review status: criteria provided, multiple submitters, no conflicts (2 of 4 stars). 2 submissions from 2 submitters: Uncertain significance (2). Last evaluated 2024-01-15.

Conditions:
Charcot-Marie-Tooth disease type 4. Also called: Charcot-Marie-Tooth, Type 4; Charcot-Marie-Tooth disease, type IV. Identifiers: Orphanet 64749, MedGen C4082197, MONDO:0018995.
Inborn genetic diseases. Identifiers: MedGen C0950123, MeSH D030342.

Allele frequency attached by ClinVar (database versions not stated): gnomAD 0.00001; gnomAD exomes 0.00001; TOPMed 0.00002.
gnomAD v4.1: 14 of 1,613,618 alleles (0.00087%); highest among the groups gnomAD compares: Admixed American, 0.005%; no homozygotes.

Submissions (2):

Labcorp Genetics (formerly Invitae), Labcorp
Classification: Uncertain significance for Charcot-Marie-Tooth disease type 4. Last evaluated: 2024-01-15. Review status: criteria provided, single submitter. Criteria: Invitae Variant Classification Sherloc (09022015). Collection method: clinical testing. Allele origin: germline.
Comment: This sequence change replaces threonine, which is neutral and polar, with isoleucine, which is neutral and non-polar, at codon 940 of the SBF2 protein (p.Thr940Ile). This variant is present in population databases (rs756720332, gnomAD 0.009%). This variant has not been reported in the literature in individuals affected with SBF2-related conditions. ClinVar contains an entry for this variant (Variation ID: 543432). Advanced modeling of protein sequence and biophysical properties (such as structural, functional, and spatial information, amino acid conservation, physicochemical variation, residue mobility, and thermodynamic stability) performed at Invitae indicates that this missense variant is not expected to disrupt SBF2 protein function with a negative predictive value of 80%. In summary, the available evidence is currently insufficient to determine the role of this variant in disease. Therefore, it has been classified as a Variant of Uncertain Significance.

Ambry Genetics
Classification: Uncertain significance for Inborn genetic diseases. Last evaluated: 2023-01-23. Review status: criteria provided, single submitter. Criteria: Ambry Variant Classification Scheme 2023. Collection method: clinical testing. Allele origin: germline.